The following is an entry in ClinVar:

ClinVar aggregate classification (germline): Uncertain significance. Review status: criteria provided, multiple submitters, no conflicts (2 of 4 stars). 2 submissions from 2 submitters: Uncertain significance (2). Last evaluated 2025-10-01.

Submissions (2):

Labcorp Genetics (formerly Invitae), Labcorp
Classification: Uncertain significance. Last evaluated: 2025-10-01. Review status: criteria provided, single submitter. Criteria: Invitae Variant Classification Sherloc (09022015). Collection method: clinical testing. Allele origin: germline.
Comment: This sequence change replaces glutamic acid, which is acidic and polar, with glutamine, which is neutral and polar, at codon 124 of the KLHDC8B protein (p.Glu124Gln). The frequency data for this variant in the population databases is considered unreliable, as metrics indicate poor data quality at this position in the gnomAD database. This variant has not been reported in the literature in individuals affected with KLHDC8B-related conditions. ClinVar contains an entry for this variant (Variation ID: 3534981). An algorithm developed to predict the effect of missense changes on protein structure and function (PolyPhen-2) suggests that this variant is likely to be tolerated. In summary, the available evidence is currently insufficient to determine the role of this variant in disease. Therefore, it has been classified as a Variant of Uncertain Significance.

Ambry Genetics
Classification: Uncertain significance. Last evaluated: 2024-08-27. Review status: criteria provided, single submitter. Criteria: Ambry Variant Classification Scheme 2023. Collection method: clinical testing. Allele origin: germline.

NM_173546.3(KLHDC8B):c.370G>C (p.Glu124Gln)

Gene: KLHDC8B (kelch domain containing 8B; plus strand). Cytogenetic location: 3p21.31.
Variant type: single nucleotide variant.
Coding change: c.370G>C on transcript NM_173546.3 (MANE Select); coding-DNA position 370, G replaced by C.
Protein change: p.Glu124Gln; replaces glutamic acid 124 with glutamine.
Molecular consequence: missense variant.
Genome position (GRCh38, 1-based): chr3:49,173,139, G>C. VCF-style: chr3-49173139-G-C. GRCh37 (hg19) VCF-style: chr3-49210572-G-C.
Other names: short protein forms E124Q.
Identifiers: ClinVar variation 3534981 (VCV003534981.2).